The following is an entry in ClinVar:

ClinVar aggregate classification (germline): Uncertain significance. Review status: criteria provided, multiple submitters, no conflicts (2 of 4 stars). 2 submissions from 2 submitters: Uncertain significance (2). Last evaluated 2025-09-30.

Conditions:
MAGEL2-related disorder. Also called: MAGEL2-related condition.
Inborn genetic diseases. Identifiers: MedGen C0950123, MeSH D030342.

Submissions (2):

PreventionGenetics, part of Exact Sciences
Classification: Uncertain significance for MAGEL2-related condition. Last evaluated: 2025-09-30. Review status: criteria provided, single submitter. Criteria: ACMG Guidelines, 2015. Collection method: clinical testing. Allele origin: germline.
Comment: The MAGEL2 c.1109C>T variant is predicted to result in the amino acid substitution p.Ala370Val. To our knowledge, this variant has not been reported in the literature. This variant is reported in 0.0028% of alleles in individuals of European (Non-Finnish) descent in gnomAD. This variant is interpreted as no interpretation set.

Ambry Genetics
Classification: Uncertain significance for Inborn genetic diseases. Last evaluated: 2025-04-12. Review status: criteria provided, single submitter. Criteria: Ambry Variant Classification Scheme 2023. Collection method: clinical testing. Allele origin: germline.

NM_019066.5(MAGEL2):c.1109C>T (p.Ala370Val)

Gene: MAGEL2 (MAGE family member L2; minus strand). Cytogenetic location: 15q11.2.
Variant type: single nucleotide variant.
Coding change: c.1109C>T on transcript NM_019066.5 (MANE Select); coding-DNA position 1109, C replaced by T.
Protein change: p.Ala370Val; replaces alanine 370 with valine.
Molecular consequence: missense variant.
Genome position (GRCh38, 1-based): chr15:23,646,634, G>A on the plus strand (C>T on the coding strand, the complement: MAGEL2 is on the minus strand). VCF-style: chr15-23646634-G-A. GRCh37 (hg19) VCF-style: chr15-23891781-G-A.
Other names: short protein forms A370V.
Identifiers: ClinVar variation 4050654 (VCV004050654.2).